The following is an entry in ClinVar:

ClinVar aggregate classification (germline): Uncertain significance (1 of 4 stars; one submission).

Conditions:
3-methylglutaconic aciduria, type VIIB (MGCA7B). Also called: CLPB Deficiency; 3-methylglutaconic aciduria with cataracts, neurologic involvement and neutropenia; 3-methylglutaconic aciduria, type VII, with cataracts, neurologic involvement and neutropenia. Identifiers: Orphanet 445038, MedGen C5676893, MONDO:0014561, OMIM 616271.

gnomAD v4.1: 1 of 1,612,390 alleles (0.000062%); highest among the groups gnomAD compares: Admixed American, 0.0017%; no homozygotes.

Submission:

Labcorp Genetics (formerly Invitae), Labcorp
Classification: Uncertain significance for 3-methylglutaconic aciduria, type VIIB. Last evaluated: 2023-08-07. Review status: criteria provided, single submitter. Criteria: Invitae Variant Classification Sherloc (09022015). Collection method: clinical testing. Allele origin: germline.
Comment: In summary, the available evidence is currently insufficient to determine the role of this variant in disease. Therefore, it has been classified as a Variant of Uncertain Significance. An algorithm developed to predict the effect of missense changes on protein structure and function (PolyPhen-2) suggests that this variant is likely to be tolerated. ClinVar contains an entry for this variant (Variation ID: 2011067). This variant has not been reported in the literature in individuals affected with CLPB-related conditions. This variant is present in population databases (no rsID available, gnomAD 0.003%). This sequence change replaces glycine, which is neutral and non-polar, with arginine, which is basic and polar, at codon 53 of the CLPB protein (p.Gly53Arg).

NM_001258392.3(CLPB):c.157G>A (p.Gly53Arg)

Genes: CLPB (ClpB family mitochondrial disaggregase; minus strand), LOC130006336 (ATAC-STARR-seq lymphoblastoid active region 5191; plus strand). Cytogenetic location: 11q13.4.
Variant type: single nucleotide variant.
Coding change: c.157G>A on transcript NM_001258392.3 (MANE Select); coding-DNA position 157, G replaced by A.
Protein change: p.Gly53Arg; replaces glycine 53 with arginine.
Molecular consequence: missense variant. On other transcripts: 5 prime UTR variant (1).
Genome position (GRCh38, 1-based): chr11:72,434,318, C>T on the plus strand (G>A on the coding strand, the complement: CLPB is on the minus strand). VCF-style: chr11-72434318-C-T. GRCh37 (hg19) VCF-style: chr11-72145362-C-T.
Other names: c.157G>A, p.Gly53Arg (NM_001258393.3, NM_030813.6); c.-86G>A (NM_001258394.3); short protein forms G53R.
Identifiers: ClinVar variation 2011067 (VCV002011067.4), dbSNP rs1315701424, ClinGen allele CA381963644.